The following is an entry in ClinVar:

ClinVar aggregate classification (germline): Pathogenic (1 of 4 stars; one submission).

Conditions:
Duchenne muscular dystrophy (DMD). Also called: Duchenne Muscular Dystrophy (DMD); MUSCULAR DYSTROPHY, PSEUDOHYPERTROPHIC PROGRESSIVE, DUCHENNE TYPE. Identifiers: Orphanet 98896, MedGen C0013264, MONDO:0010679, OMIM 310200.

Submission:

Labcorp Genetics (formerly Invitae), Labcorp
Classification: Pathogenic for Duchenne muscular dystrophy. Last evaluated: 2019-09-19. Review status: criteria provided, single submitter. Criteria: Invitae Variant Classification Sherloc (09022015). Collection method: clinical testing. Allele origin: germline.
Comment: For these reasons, this variant has been classified as Pathogenic. Loss-of-function variants in DMD are known to be pathogenic (PMID: 16770791, 25007885). A similar copy number gain has been observed in an individual affected with Duchenne muscular dystrophy (PMID: 12111668). This variant results in a copy number gain of the genomic region encompassing exons 42-43 of the DMD gene. While the exact position of this variant cannot be determined from this data, sub-genic copy number gains are generally in tandem (PMID: 25640679) and may result in an absent or disrupted protein product.

Literature cited by the submitters: PubMed 16770791; PubMed 25007885; PubMed 12111668; PubMed 25640679.

NC_000023.11:g.(?_32287519)_(32310286_?)dup

Gene: DMD (dystrophin; minus strand). Cytogenetic location: Xp21.1.
Variant type: Duplication.
Identifiers: ClinVar variation 830762 (VCV000830762.8).